The following is an entry in ClinVar:

ClinVar aggregate classification (germline): Uncertain significance (1 of 4 stars; one submission).

Submission:

Labcorp Genetics (formerly Invitae), Labcorp
Classification: Uncertain significance. Last evaluated: 2024-04-18. Review status: criteria provided, single submitter. Criteria: Invitae Variant Classification Sherloc (09022015). Collection method: clinical testing. Allele origin: germline.
Comment: This sequence change replaces valine, which is neutral and non-polar, with glutamic acid, which is acidic and polar, at codon 1420 of the VCAN protein (p.Val1420Glu). This variant is not present in population databases (gnomAD no frequency). This variant has not been reported in the literature in individuals affected with VCAN-related conditions. ClinVar contains an entry for this variant (Variation ID: 2128133). Algorithms developed to predict the effect of missense changes on protein structure and function output the following: SIFT: "Not Available"; PolyPhen-2: "Benign"; Align-GVGD: "Not Available". The glutamic acid amino acid residue is found in multiple mammalian species, which suggests that this missense change does not adversely affect protein function. In summary, the available evidence is currently insufficient to determine the role of this variant in disease. Therefore, it has been classified as a Variant of Uncertain Significance.

NM_004385.5(VCAN):c.4259T>A (p.Val1420Glu)

Genes: VCAN (versican; plus strand), VCAN-AS1 (VCAN antisense RNA 1; minus strand). Cytogenetic location: 5q14.3.
Variant type: single nucleotide variant.
Coding change: c.4259T>A on transcript NM_004385.5 (MANE Select); coding-DNA position 4259, T replaced by A.
Protein change: p.Val1420Glu; replaces valine 1420 with glutamic acid.
Molecular consequence: missense variant. On other transcripts: intron variant (2).
Genome position (GRCh38, 1-based): chr5:83,537,262, T>A. VCF-style: chr5-83537262-T-A. GRCh37 (hg19) VCF-style: chr5-82833081-T-A.
Other names: c.1298T>A, p.Val433Glu (NM_001164097.2); c.4004-8275T>A (NM_001164098.2); c.1043-8275T>A (NM_001126336.3); short protein forms V1420E, V433E.
Identifiers: ClinVar variation 2128133 (VCV002128133.4), dbSNP rs2479102780, ClinGen allele CA360307863.